The following is an entry in ClinVar:

ClinVar aggregate classification (germline): Uncertain significance (1 of 4 stars; one submission).

Conditions:
Diets-Jongmans syndrome. Also called: INTELLECTUAL DEVELOPMENTAL DISORDER WITH DISTINCTIVE FACIAL DYSMORPHISM. Identifiers: MedGen C5394263, MONDO:0030012, OMIM 618846.

Allele frequency attached by ClinVar (database versions not stated): ExAC 0.00001; gnomAD 0.00001; gnomAD exomes 0.00001; TOPMed 0.00002.
gnomAD v4.1: 17 of 1,613,966 alleles (0.0011%); highest among the groups gnomAD compares: Non-Finnish European, 0.0014%; no homozygotes.

Submission:

Clinical Genomics Laboratory, Washington University in St. Louis
Classification: Uncertain significance for Diets-Jongmans syndrome. Last evaluated: 2024-02-03. Review status: criteria provided, single submitter. Criteria: ACMG Guidelines, 2015. Collection method: clinical testing. Allele origin: germline.
Comment: The KDM3B c.2252C>T (p.Thr751Ile) variant, to our knowledge, has not been reported in the medical literature and is only observed on 1/251,000 alleles in the general population (gnomAD v.2.1.1), indicating it is not a common variant. This variant occurs in a region without a known functional domain and with frequent gnomAD missense variation (mutscore) and computational predictors suggest that the variant does not impact KDM3B function. Due to limited information, and based on ACMG/AMP guidelines for variant interpretation (Richards S et al., PMID: 25741868), the clinical significance of this variant is uncertain at this time.

NM_016604.4(KDM3B):c.2252C>T (p.Thr751Ile)

Gene: KDM3B (lysine demethylase 3B; plus strand). Cytogenetic location: 5q31.2.
Variant type: single nucleotide variant.
Coding change: c.2252C>T on transcript NM_016604.4 (MANE Select); coding-DNA position 2252, C replaced by T.
Protein change: p.Thr751Ile; replaces threonine 751 with isoleucine.
Molecular consequence: missense variant.
Genome position (GRCh38, 1-based): chr5:138,391,884, C>T. VCF-style: chr5-138391884-C-T. GRCh37 (hg19) VCF-style: chr5-137727573-C-T.
Other names: short protein forms T751I.
Identifiers: ClinVar variation 3236600 (VCV003236600.1), dbSNP rs776596787, ClinGen allele CA3429031.